The following is an entry in ClinVar:

ClinVar aggregate classification (germline): Pathogenic (1 of 4 stars; one submission).

Conditions:
Usher syndrome type 2A. Also called: RETINAL DISEASE IN USHER SYNDROME TYPE IIA, MODIFIER OF; USHER SYNDROME, TYPE IIA. Identifiers: Orphanet 231178, Orphanet 886, MedGen C1848634, MONDO:0010169, OMIM 276901.

gnomAD v4.1: 1 of 1,612,626 alleles (0.000062%); no homozygotes.

Submission:

Laboratory of Medical Genetics, National & Kapodistrian University of Athens
Classification: Pathogenic for Usher syndrome type 2A. Last evaluated: 2023-11-28. Review status: criteria provided, single submitter. Criteria: ACMG Guidelines, 2015. Collection method: clinical testing. Allele origin: germline. Affected: yes.
Comment: PVS1, PM2, PP4 - The variant is expected to result in an absent or disrupted protein product. Low frequency in gnomAD population databases.

NM_206933.4(USH2A):c.4356T>A (p.Cys1452Ter)

Gene: USH2A (usherin; minus strand). Cytogenetic location: 1q41.
Variant type: single nucleotide variant.
Coding change: c.4356T>A on transcript NM_206933.4 (MANE Select); coding-DNA position 4356, T replaced by A.
Protein change: p.Cys1452Ter; replaces cysteine 1452 with a stop codon.
Molecular consequence: nonsense.
Genome position (GRCh38, 1-based): chr1:216,190,263, A>T on the plus strand (T>A on the coding strand, the complement: USH2A is on the minus strand). VCF-style: chr1-216190263-A-T. GRCh37 (hg19) VCF-style: chr1-216363605-A-T.
Other names: c.4356T>A, p.Cys1452Ter (NM_007123.6); short protein forms C1452*.
Identifiers: ClinVar variation 3256574 (VCV003256574.1).